The following is an entry in ClinVar:

NM_001375405.1(CEP120):c.2237G>A (p.Arg746Gln)

Gene: CEP120 (centrosomal protein 120; minus strand). Cytogenetic location: 5q23.2.
Variant type: single nucleotide variant.
Coding change: c.2237G>A on transcript NM_001375405.1 (MANE Select); coding-DNA position 2237, G replaced by A.
Protein change: p.Arg746Gln; replaces arginine 746 with glutamine.
Molecular consequence: missense variant. On other transcripts: non-coding transcript variant (1).
Genome position (GRCh38, 1-based): chr5:123,377,495, C>T on the plus strand (G>A on the coding strand, the complement: CEP120 is on the minus strand). VCF-style: chr5-123377495-C-T. GRCh37 (hg19) VCF-style: chr5-122713189-C-T.
Other names: c.2159G>A, p.Arg720Gln (NM_001166226.2); c.2102G>A, p.Arg701Gln (NM_001375406.1); c.2237G>A, p.Arg746Gln (NM_001375407.1, NM_153223.4); c.1664G>A, p.Arg555Gln (NM_001375408.1, NM_001375409.1); short protein forms R746Q, R720Q, R555Q, R701Q.
Identifiers: ClinVar variation 661929 (VCV000661929.11), dbSNP rs375645626, ClinGen allele CA3386685.
Genomic context (GRCh38, chr5:123,377,495, plus strand): 5'-ACTTGGTGAATACAGTCCTCTTTGGCCCTACGGATAGAGTCCTGCAGTTCTTGCAGGTTC[C>T]GCTGACGTTCTGATTGCAGTTCCTTTTTTTCTCTTTGAAGCTTAAAACAAAGGCATCTTT-3'
Protein context (NP_001362334.1, residues 736-756): EKKELQSERQ[Arg746Gln]NLQELQDSIR

ClinVar aggregate classification (germline): Uncertain significance. Review status: criteria provided, multiple submitters, no conflicts (2 of 4 stars). 4 submissions from 4 submitters: Uncertain significance (3). 1 of the submissions does not count toward it. Last evaluated 2024-10-28.

Conditions:
Inborn genetic diseases. Identifiers: MedGen C0950123, MeSH D030342.
Short-rib thoracic dysplasia 13 with or without polydactyly (SRTD13). Identifiers: Orphanet 474, MedGen C4225378, MONDO:0014577, OMIM 616300.
CEP120-related disorder. Also called: CEP120-Related Disorders; CEP120-related condition.

Allele frequency attached by ClinVar (database versions not stated): ExAC 0.00003; gnomAD exomes 0.00003; gnomAD 0.00004 and 0.00005; TOPMed 0.00005; ESP Exome Variant Server 0.00008.
gnomAD v4.1: 45 of 1,594,330 alleles (0.0028%); highest among the groups gnomAD compares: African/African-American, 0.0082%; no homozygotes.

Submissions (4):

GeneDx
Classification: Uncertain significance. Last evaluated: 2024-10-28. Review status: criteria provided, single submitter. Criteria: GeneDx Variant Classification Process June 2021. Collection method: clinical testing. Allele origin: germline. Affected: yes.
Comment: Not observed at significant frequency in large population cohorts (gnomAD); In silico analysis indicates that this missense variant does not alter protein structure/function; Has not been previously published as pathogenic or benign to our knowledge

Ambry Genetics
Classification: Uncertain significance for Inborn genetic diseases. Last evaluated: 2024-06-28. Review status: criteria provided, single submitter. Criteria: Ambry Variant Classification Scheme 2023. Collection method: clinical testing. Allele origin: germline.

Labcorp Genetics (formerly Invitae), Labcorp
Classification: Uncertain significance for Short-rib thoracic dysplasia 13 with or without polydactyly. Last evaluated: 2022-07-19. Review status: criteria provided, single submitter. Criteria: Invitae Variant Classification Sherloc (09022015). Collection method: clinical testing. Allele origin: germline.
Comment: ClinVar contains an entry for this variant (Variation ID: 661929). This variant has not been reported in the literature in individuals affected with CEP120-related conditions. This variant is present in population databases (rs375645626, gnomAD 0.01%). This sequence change replaces arginine, which is basic and polar, with glutamine, which is neutral and polar, at codon 746 of the CEP120 protein (p.Arg746Gln). Algorithms developed to predict the effect of missense changes on protein structure and function output the following: SIFT: "Tolerated"; PolyPhen-2: "Benign"; Align-GVGD: "Class C0". The glutamine amino acid residue is found in multiple mammalian species, which suggests that this missense change does not adversely affect protein function. In summary, the available evidence is currently insufficient to determine the role of this variant in disease. Therefore, it has been classified as a Variant of Uncertain Significance.

PreventionGenetics, part of Exact Sciences
Classification: Uncertain significance for CEP120-related condition. Last evaluated: 2024-01-03. Review status: no assertion criteria provided. Collection method: clinical testing. Allele origin: germline. Not counted in ClinVar's aggregate classification.
Comment: The CEP120 c.2237G>A variant is predicted to result in the amino acid substitution p.Arg746Gln. To our knowledge, this variant has not been reported in the literature. This variant is reported in 0.013% of alleles in individuals of African descent in gnomAD. At this time, the clinical significance of this variant is uncertain due to the absence of conclusive functional and genetic evidence.